The following is an entry in ClinVar:

NM_002734.5(PRKAR1A):c.-6-236C>T

Gene: PRKAR1A (protein kinase cAMP-dependent type I regulatory subunit alpha; plus strand). Cytogenetic location: 17q24.2.
Variant type: single nucleotide variant.
Coding change: c.-6-236C>T on transcript NM_002734.5 (MANE Select); 236 bases into the intron before 6 bases upstream of the start codon, C replaced by T.
Molecular consequence: intron variant.
Genome position (GRCh38, 1-based): chr17:68,515,158, C>T. VCF-style: chr17-68515158-C-T. GRCh37 (hg19) VCF-style: chr17-66511299-C-T.
Other names: c.-6-236C>T (NM_001278433.2, NM_212471.3, NM_212472.2 and 1 more transcripts); c.-7+39C>T (NM_001369389.1, NM_001276289.2).
Identifiers: ClinVar variation 677026 (VCV000677026.2), dbSNP rs72847785, ClinGen allele CA293327175.

ClinVar aggregate classification (germline): Benign. Review status: criteria provided, multiple submitters, no conflicts (2 of 4 stars). 2 submissions from 2 submitters: Benign (2). Last evaluated 2018-06-18.

Allele frequency attached by ClinVar (database versions not stated): gnomAD 0.14309; gnomAD exomes 0.14374; TOPMed 0.15511; 1000 Genomes Project 0.16573; 1000 Genomes Project 30x 0.16818.
gnomAD v4.1: 76,170 of 525,868 alleles (14%); highest among the groups gnomAD compares: South Asian, 19%; 5,862 homozygotes.

Submissions (2):

GeneDx
Classification: Benign. Last evaluated: 2018-06-18. Review status: criteria provided, single submitter. Criteria: GeneDx Variant Classification (06012015). Collection method: clinical testing. Allele origin: germline. Affected: yes.
Comment: This variant is considered likely benign or benign based on one or more of the following criteria: it is a conservative change, it occurs at a poorly conserved position in the protein, it is predicted to be benign by multiple in silico algorithms, and/or has population frequency not consistent with disease.

Breakthrough Genomics
Classification: Benign. Review status: criteria provided, single submitter. Criteria: ACMG Guidelines, 2015. Collection method: not provided. Allele origin: germline. Inheritance: Autosomal dominant inheritance. Affected: yes.